The following is an entry in ClinVar:

ClinVar aggregate classification (germline): Uncertain significance (1 of 4 stars; one submission).

Conditions:
Autosomal recessive limb-girdle muscular dystrophy type 2J (LGMDR10). Also called: Limb-girdle muscular dystrophy, type 2J; MUSCULAR DYSTROPHY, LIMB-GIRDLE, AUTOSOMAL RECESSIVE 10. Identifiers: Orphanet 140922, MedGen C1837342, MONDO:0012127, OMIM 608807.
Dilated cardiomyopathy 1G (CMD1G). Identifiers: Orphanet 154, MedGen C1858763, MONDO:0011400, OMIM 604145.

Submission:

Labcorp Genetics (formerly Invitae), Labcorp
Classification: Uncertain significance for Dilated cardiomyopathy 1G; Autosomal recessive limb-girdle muscular dystrophy type 2J. Last evaluated: 2025-05-13. Review status: criteria provided, single submitter. Criteria: Invitae Variant Classification Sherloc (09022015). Collection method: clinical testing. Allele origin: germline.
Comment: This sequence change falls in intron 110 of the TTN gene. It does not directly change the encoded amino acid sequence of the TTN protein. It affects a nucleotide within the consensus splice site. This variant is not present in population databases (gnomAD no frequency). This variant has not been reported in the literature in individuals affected with TTN-related conditions. ClinVar contains an entry for this variant (Variation ID: 575984). Variants that disrupt the consensus splice site are a relatively common cause of aberrant splicing (PMID: 17576681, 9536098). Algorithms developed to predict the effect of sequence changes on RNA splicing suggest that this variant may disrupt the consensus splice site. This variant is located in the I band of TTN (PMID: 25589632). Non-truncating variants in this region may be clinically relevant, but have not been definitively shown to cause cardiomyopathy or neuromuscular disease (PMID: 27493940, 32778822). In summary, the available evidence is currently insufficient to determine the role of this variant in disease. Therefore, it has been classified as a Variant of Uncertain Significance.

Literature cited by the submitters: PubMed 17576681; PubMed 9536098; PubMed 25589632; PubMed 27493940; PubMed 32778822.

NM_001267550.2(TTN):c.30598+4A>T

Gene: TTN (titin; minus strand). Cytogenetic location: 2q31.2.
Variant type: single nucleotide variant.
Coding change: c.30598+4A>T on transcript NM_001267550.2 (MANE Select); 4 bases into the intron after coding-DNA position 30598, A replaced by T.
Molecular consequence: intron variant.
Genome position (GRCh38, 1-based): chr2:178,701,524, T>A on the plus strand (A>T on the coding strand, the complement: TTN is on the minus strand). VCF-style: chr2-178701524-T-A. GRCh37 (hg19) VCF-style: chr2-179566251-T-A.
Other names: c.13282+36558A>T (NM_003319.4); c.13858+36558A>T (NM_133437.4); c.13657+36558A>T (NM_133432.3); c.26866+4A>T (NM_133378.4); c.29647+4A>T (NM_001256850.1).
Identifiers: ClinVar variation 575984 (VCV000575984.11), dbSNP rs1560494355, ClinGen allele CA891843381.